The following is an entry in ClinVar:

NM_002860.4(ALDH18A1):c.1993C>T (p.Arg665Ter)

Gene: ALDH18A1 (aldehyde dehydrogenase 18 family member A1; minus strand). Cytogenetic location: 10q24.1.
Variant type: single nucleotide variant.
Coding change: c.1993C>T on transcript NM_002860.4 (MANE Select); coding-DNA position 1993, C replaced by T.
Protein change: p.Arg665Ter; replaces arginine 665 with a stop codon.
Molecular consequence: nonsense.
Genome position (GRCh38, 1-based): chr10:95,611,373, G>A on the plus strand (C>T on the coding strand, the complement: ALDH18A1 is on the minus strand). VCF-style: chr10-95611373-G-A. GRCh37 (hg19) VCF-style: chr10-97371130-G-A.
Other names: c.1987C>T, p.Arg663Ter (NM_001017423.2, NM_001323415.2); c.1660C>T, p.Arg554Ter (NM_001323412.2, NM_001323416.2); c.1993C>T, p.Arg665Ter (NM_001323413.2, NM_001323414.2); c.1888C>T, p.Arg630Ter (NM_001323417.2); c.1654C>T, p.Arg552Ter (NM_001323418.2); c.1357C>T, p.Arg453Ter (NM_001323419.2); short protein forms R453*, R552*, R665*, R630*, R554*, R663*.
Identifiers: ClinVar variation 2058971 (VCV002058971.5), dbSNP rs751181507, ClinGen allele CA5620171.

ClinVar aggregate classification (germline): Pathogenic/Likely pathogenic. Review status: criteria provided, multiple submitters, no conflicts (2 of 4 stars). 2 submissions from 2 submitters: Pathogenic (1); Likely pathogenic (1). Last evaluated 2025-02-05.

Conditions:
ALDH18A1-related disorder. Also called: ALDH18A1-related disorders.
Autosomal dominant spastic paraplegia type 9. Identifiers: MedGen C1832669, MONDO:0015091.
de Barsy syndrome. Also called: Cutis laxa-corneal clouding-oligophrenia syndrome. Identifiers: Orphanet 2962, MedGen C0268354, MONDO:0017569.
Cutis laxa, autosomal dominant 3 (ADCL3). Identifiers: Orphanet 90348, MedGen C4225268, MONDO:0014706, OMIM 616603.

Allele frequency attached by ClinVar (database versions not stated): TOPMed below 0.00001; ExAC 0.00001; gnomAD 0.00001; gnomAD exomes 0.00001; 1000 Genomes Project 30x 0.00016.
gnomAD v4.1: 15 of 1,614,174 alleles (0.00093%); highest among the groups gnomAD compares: African/African-American, 0.004%; no homozygotes.

Submissions (2):

PreventionGenetics, part of Exact Sciences
Classification: Likely pathogenic for ALDH18A1-related disorder. Last evaluated: 2025-02-05. Review status: criteria provided, single submitter. Criteria: ACMG Guidelines, 2015. Collection method: clinical testing. Allele origin: germline.
Comment: To our knowledge, this variant has not been reported in the literature. This variant is present in 0.0033% of alleles in individuals of South Asian descent in gnomAD. Nonsense variants in ALDH18A1 are an established mechanism of autosomal recessive disease. This variant is interpreted as likely pathogenic.

Labcorp Genetics (formerly Invitae), Labcorp
Classification: Pathogenic for Autosomal dominant spastic paraplegia type 9; de Barsy syndrome; Cutis laxa, autosomal dominant 3. Last evaluated: 2022-12-28. Review status: criteria provided, single submitter. Criteria: Invitae Variant Classification Sherloc (09022015). Collection method: clinical testing. Allele origin: germline.
Comment: For these reasons, this variant has been classified as Pathogenic. This variant has not been reported in the literature in individuals affected with ALDH18A1-related conditions. This variant is present in population databases (rs751181507, gnomAD 0.007%). This sequence change creates a premature translational stop signal (p.Arg665*) in the ALDH18A1 gene. It is expected to result in an absent or disrupted protein product. Loss-of-function variants in ALDH18A1 are known to be pathogenic (PMID: 21739576, 24913064, 28567303, 28604674, 29915212).

Literature cited by the submitters: PubMed 21739576 (cited by Labcorp Genetics (formerly Invitae), Labcorp); PubMed 24913064 (cited by Labcorp Genetics (formerly Invitae), Labcorp); PubMed 28567303 (cited by Labcorp Genetics (formerly Invitae), Labcorp); PubMed 28604674 (cited by Labcorp Genetics (formerly Invitae), Labcorp); PubMed 29915212 (cited by Labcorp Genetics (formerly Invitae), Labcorp).